The following is an entry in ClinVar:

ClinVar aggregate classification (germline): Uncertain significance. Review status: criteria provided, multiple submitters, no conflicts (2 of 4 stars). 2 submissions from 2 submitters: Uncertain significance (2). Last evaluated 2025-11-12.

Conditions:
Hereditary cancer-predisposing syndrome. Also called: Neoplastic Syndromes, Hereditary; Hereditary neoplastic syndrome; Tumor predisposition; Hereditary Cancer Syndrome. Identifiers: Orphanet 140162, MedGen C0027672, MeSH D009386, MONDO:0015356.
POLD1-related polyposis and colorectal cancer syndrome (CRCS10). Also called: Colorectal cancer 10; COLORECTAL CANCER, SUSCEPTIBILITY TO, ON CHROMOSOME 19q; Colorectal cancer, susceptibility to, 10. Identifiers: Orphanet 220460, MedGen C2675481, MONDO:0012953, OMIM 612591.

Allele frequency attached by ClinVar (database versions not stated): gnomAD exomes below 0.00001 and 0.00001; gnomAD 0.00001; TOPMed 0.00001; ExAC 0.00002; 1000 Genomes Project 0.00020; 1000 Genomes Project 30x 0.00031.
gnomAD v4.1: 6 of 1,599,132 alleles (0.00038%); highest among the groups gnomAD compares: Non-Finnish European, 0.00051%; no homozygotes.

Submissions (2):

Labcorp Genetics (formerly Invitae), Labcorp
Classification: Uncertain significance for POLD1-related polyposis and colorectal cancer syndrome. Last evaluated: 2025-11-12. Review status: criteria provided, single submitter. Criteria: Invitae Variant Classification Sherloc (09022015). Collection method: clinical testing. Allele origin: germline.
Comment: This sequence change replaces glycine, which is neutral and non-polar, with cysteine, which is neutral and slightly polar, at codon 21 of the POLD1 protein (p.Gly21Cys). This variant is present in population databases (rs9282831, gnomAD 0.002%). This variant has not been reported in the literature in individuals affected with POLD1-related conditions. ClinVar contains an entry for this variant (Variation ID: 469371). Experimental studies and prediction algorithms are not available or were not evaluated, and the functional significance of this variant is currently unknown. In summary, the available evidence is currently insufficient to determine the role of this variant in disease. Therefore, it has been classified as a Variant of Uncertain Significance.

Ambry Genetics
Classification: Uncertain significance for Hereditary cancer-predisposing syndrome. Last evaluated: 2025-07-02. Review status: criteria provided, single submitter. Criteria: Ambry Variant Classification Scheme 2023. Collection method: clinical testing. Allele origin: germline.

NM_002691.4(POLD1):c.61G>T (p.Gly21Cys)

Gene: POLD1 (DNA polymerase delta 1, catalytic subunit; plus strand). Cytogenetic location: 19q13.33.
Variant type: single nucleotide variant.
Coding change: c.61G>T on transcript NM_002691.4 (MANE Select); coding-DNA position 61, G replaced by T.
Protein change: p.Gly21Cys; replaces glycine 21 with cysteine.
Molecular consequence: missense variant. On other transcripts: non-coding transcript variant (1).
Genome position (GRCh38, 1-based): chr19:50,398,912, G>T. VCF-style: chr19-50398912-G-T. GRCh37 (hg19) VCF-style: chr19-50902169-G-T.
Other names: c.61G>T, p.Gly21Cys (NM_001256849.1, NM_001308632.1); c.61G>T (NM_002691.2); short protein forms G21C.
Identifiers: ClinVar variation 469371 (VCV000469371.12), dbSNP rs9282831, ClinGen allele CA9595600.
Genomic context (GRCh38, chr19:50,398,912, plus strand): 5'-ATGGATGGCAAGCGGCGGCCAGGCCCAGGGCCCGGGGTGCCCCCAAAGCGGGCCCGTGGG[G>T]GCCTCTGGGATGATGATGATGCACCTCGGCCATCCCAATTCGAGGAGGACCTGGCACTGA-3'
Protein context (NP_002682.2, residues 11-31): PGVPPKRARG[Gly21Cys]LWDDDDAPRP